The following is an entry in ClinVar:

ClinVar aggregate classification (germline): Pathogenic. Review status: criteria provided, multiple submitters, no conflicts (2 of 4 stars). 3 submissions from 3 submitters: Pathogenic (2). 1 of the submissions does not count toward it. Last evaluated 2022-05-08.

Conditions:
Childhood hypophosphatasia. Identifiers: Orphanet 247667, Orphanet 436, MedGen C0220743, MONDO:1010168, OMIM 241510, MONDO:0009428.
Familial X-linked hypophosphatemic vitamin D refractory rickets (XLHRD). Also called: X-Linked Hypophosphatemia; HYPOPHOSPHATEMIC VITAMIN D-RESISTANT RICKETS; Hypophosphatemic Rickets, X-Linked Dominant; Hypophosphatemia, vitamin D-resistant rickets; Vitamin D-resistant rickets, X-linked. Identifiers: Orphanet 89936, MedGen C0733682, MONDO:0010619, OMIM 307800.

Submissions (3):

Labcorp Genetics (formerly Invitae), Labcorp
Classification: Pathogenic. Last evaluated: 2022-05-08. Review status: criteria provided, single submitter. Criteria: Invitae Variant Classification Sherloc (09022015). Collection method: clinical testing. Allele origin: germline.
Comment: This variant has not been reported in the literature in individuals affected with PHEX-related conditions. This sequence change creates a premature translational stop signal (p.Ala709Leufs*31) in the PHEX gene. While this is not anticipated to result in nonsense mediated decay, it is expected to disrupt the last 41 amino acid(s) of the PHEX protein. This variant is not present in population databases (gnomAD no frequency). ClinVar contains an entry for this variant (Variation ID: 803774). Algorithms developed to predict the effect of sequence changes on RNA splicing suggest that this variant may disrupt the consensus splice site. This variant disrupts a region of the PHEX protein in which other variant(s) (p.Arg747*) have been determined to be pathogenic (PMID: 9199930, 9768674). This suggests that this is a clinically significant region of the protein, and that variants that disrupt it are likely to be disease-causing. For these reasons, this variant has been classified as Pathogenic.

Mendelics
Classification: Pathogenic for Familial X-linked hypophosphatemic vitamin D refractory rickets. Last evaluated: 2019-05-28. Review status: criteria provided, single submitter. Criteria: Mendelics Assertion Criteria 2017. Collection method: clinical testing. Allele origin: unknown.

Department of Pediatric Endocrinology, Shriners Hospitals for Children - Mexico City
No classification provided. Condition: Childhood hypophosphatasia. Review status: no classification provided. Collection method: phenotyping only. Allele origin: germline. Inheritance: X-linked dominant inheritance. Affected: yes. Observed: 1 variant allele, 1 hemizygote. Not counted in ClinVar's aggregate classification.

Literature cited by the submitters: PubMed 9199930 (cited by Labcorp Genetics (formerly Invitae), Labcorp); PubMed 9768674 (cited by Labcorp Genetics (formerly Invitae), Labcorp).

NM_000444.6(PHEX):c.2125del (p.Ala709fs)

Genes: PHEX (phosphate regulating endopeptidase X-linked; plus strand), PTCHD1-AS (PTCHD1 and PHEX antisense RNA; minus strand). Cytogenetic location: Xp22.11.
Variant type: Deletion.
Coding change: c.2125del on transcript NM_000444.6 (MANE Select); coding-DNA position 2125, one base deleted (G; older notation c.2125delG).
Protein change: p.Ala709fs; shifts the reading frame from alanine 709.
Molecular consequence: frameshift variant. On other transcripts: intron variant (1).
Genome position (GRCh38, 1-based): chrX:22,245,387, G deleted. VCF-style (leftmost placement, unchanged base first): chrX-22245386-TG-T. GRCh37 (hg19) VCF-style: chrX-22263503-TG-T.
Other names: c.2071-2464del (NM_001282754.2); short protein forms A709fs.
Identifiers: ClinVar variation 803774 (VCV000803774.10), dbSNP rs1602439597, ClinGen allele CA915950788.
Genomic context (GRCh38, chrX:22,245,386, plus strand): 5'-CTTCTAGGTGAGGTGCAATTCCTACAGACCAGAAGCTGCCCGAGAACAAGTCCAAATTGG[TG>T]CTCACAGTCCCCCTCAGTTTAGGTAAATGGGCAAATGGGTGACGGCAGTTTTTAACTGTA-3'